The following is an entry in ClinVar:

ClinVar aggregate classification (somatic clinical impact): Tier II - Potential (1 of 4 stars; one submission).

Conditions:
Embryonal rhabdomyosarcoma (ERMS). Also called: Botryoid rhabdomyosarcoma (type of ERMS); Spindle cell rhabdomyosarcomas (type of ERMS). Identifiers: Orphanet 99757, MedGen C0206656, MONDO:0009993, HP:0006743.

Submission:

Institute for Genomic Medicine (IGM) Clinical Laboratory, Nationwide Children's Hospital
Classification: Tier II - Potential for Embryonal rhabdomyosarcoma. Assertion type: diagnostic. Clinical significance: supports diagnosis. Last evaluated: 2023-08-09. Review status: criteria provided, single submitter. Criteria: AMP/ASCO/CAP Guidelines, 2017. Collection method: clinical testing. Allele origin: somatic. Affected: yes.
Comment: Variant has Tier II (potential) clinical significance as a diagnostic inclusion criterion in embryonal rhabdomyosarcoma, based on the following evidence: 1) Documented in one or more cancer databases (e.g., St. Jude Pecan, COSMIC, CIViC, OncoKB). 2) Diagnostic significance based on multiple small studies (Evidence Level C; PMIDs: 24436047, 34166060, 26138366).

Literature cited by the submitters: PubMed 24436047; PubMed 34166060; PubMed 26138366.

NM_006015.6(ARID1A):c.5161C>T (p.Arg1721Ter)

Gene: ARID1A (AT-rich interaction domain 1A; plus strand). Cytogenetic location: 1p36.11.
Variant type: single nucleotide variant.
Coding change: c.5161C>T on transcript NM_006015.6 (MANE Select); coding-DNA position 5161, C replaced by T.
Protein change: p.Arg1721Ter; replaces arginine 1721 with a stop codon.
Molecular consequence: nonsense.
Genome position (GRCh38, 1-based): chr1:26,779,059, C>T. VCF-style: chr1-26779059-C-T. GRCh37 (hg19) VCF-style: chr1-27105550-C-T.
Other names: c.4510C>T, p.Arg1504Ter (NM_139135.4); short protein forms R1504*, R1721*.
Identifiers: ClinVar variation 4530199 (VCV004530199.1).